The following is an entry in ClinVar:

NM_000722.4(CACNA2D1):c.2060C>T (p.Ala687Val)

Gene: CACNA2D1 (calcium voltage-gated channel auxiliary subunit alpha2delta 1; minus strand). Cytogenetic location: 7q21.11.
Variant type: single nucleotide variant.
Coding change: c.2060C>T on transcript NM_000722.4 (MANE Select); coding-DNA position 2060, C replaced by T.
Protein change: p.Ala687Val; replaces alanine 687 with valine.
Molecular consequence: missense variant.
Genome position (GRCh38, 1-based): chr7:81,971,858, G>A on the plus strand (C>T on the coding strand, the complement: CACNA2D1 is on the minus strand). VCF-style: chr7-81971858-G-A. GRCh37 (hg19) VCF-style: chr7-81601174-G-A.
Other names: c.2096C>T, p.Ala699Val (NM_001366867.1); c.2060C>T (NM_000722.2); short protein forms A687V, A699V.
Identifiers: ClinVar variation 1015295 (VCV001015295.9), dbSNP rs761738920, ClinGen allele CA4317754.

ClinVar aggregate classification (germline): Conflicting classifications of pathogenicity. Review status: criteria provided, conflicting classifications (1 of 4 stars). 2 submissions from 2 submitters: Uncertain significance (1); Likely benign (1). Last evaluated 2025-08-28.

Conditions:
Brugada syndrome. Also called: Sudden unexpected nocturnal death syndrome; Sudden Unexplained Death Syndrome; Sudden Unexplained Nocturnal Death Syndrome (SUNDS); Sudden unexplained nocturnal death syndrome. Identifiers: Orphanet 130, MedGen C1142166, MONDO:0015263.
Cardiovascular phenotype. Identifiers: MedGen CN230736.

Allele frequency attached by ClinVar (database versions not stated): TOPMed 0.00002; gnomAD exomes 0.00003 and 0.00005; ExAC 0.00007; gnomAD 0.00001.
gnomAD v4.1: 47 of 1,596,056 alleles (0.0029%); highest among the groups gnomAD compares: South Asian, 0.028%; no homozygotes.

Submissions (2):

Ambry Genetics
Classification: Likely benign for Cardiovascular phenotype. Last evaluated: 2025-08-28. Review status: criteria provided, single submitter. Criteria: Ambry Variant Classification Scheme 2023. Collection method: clinical testing. Allele origin: germline.

Labcorp Genetics (formerly Invitae), Labcorp
Classification: Uncertain significance for Brugada syndrome. Last evaluated: 2025-04-10. Review status: criteria provided, single submitter. Criteria: Invitae Variant Classification Sherloc (09022015). Collection method: clinical testing. Allele origin: germline.
Comment: This sequence change replaces alanine, which is neutral and non-polar, with valine, which is neutral and non-polar, at codon 687 of the CACNA2D1 protein (p.Ala687Val). This variant is present in population databases (rs761738920, gnomAD 0.02%). This variant has not been reported in the literature in individuals affected with CACNA2D1-related conditions. ClinVar contains an entry for this variant (Variation ID: 1015295). An algorithm developed to predict the effect of missense changes on protein structure and function outputs the following: PolyPhen-2: "Not Available". The valine amino acid residue is found in multiple mammalian species, which suggests that this missense change does not adversely affect protein function. In summary, the available evidence is currently insufficient to determine the role of this variant in disease. Therefore, it has been classified as a Variant of Uncertain Significance.